The following is an entry in ClinVar:

NM_004415.4(DSP):c.1939C>T (p.Gln647Ter)

Gene: DSP (desmoplakin; plus strand). Cytogenetic location: 6p24.3.
Variant type: single nucleotide variant.
Coding change: c.1939C>T on transcript NM_004415.4 (MANE Select); coding-DNA position 1939, C replaced by T.
Protein change: p.Gln647Ter; replaces glutamine 647 with a stop codon.
Molecular consequence: nonsense.
Genome position (GRCh38, 1-based): chr6:7,571,877, C>T. VCF-style: chr6-7571877-C-T. GRCh37 (hg19) VCF-style: chr6-7572110-C-T.
Other names: c.1939C>T, p.Gln647Ter (NM_001008844.3, NM_001319034.2); short protein forms Q647*.
Identifiers: ClinVar variation 4783931 (VCV004783931.1).
Genomic context (GRCh38, chr6:7,571,877, plus strand): 5'-TTGTGGCCCTAACTTCTTTTTACAGTGACCACAACTGAAATCACTCATCATGGAACCTGC[C>T]AAGATGTCAACCATAATAAAGTAATTGAAACCAACAGAGAAAATGACAAGCAAGAAACAT-3'

ClinVar aggregate classification (germline): Pathogenic (1 of 4 stars; one submission).

Conditions:
Arrhythmogenic right ventricular dysplasia 8 (ARVD8). Also called: Arrhythmogenic Right Ventricular Dysplasia/Cardiomyopathy 8; ARRHYTHMOGENIC RIGHT VENTRICULAR DYSPLASIA, FAMILIAL, 8; ARRHYTHMOGENIC RIGHT VENTRICULAR CARDIOMYOPATHY 8. Identifiers: MedGen C1843896, MONDO:0011831, OMIM 607450.
Arrhythmogenic cardiomyopathy with wooly hair and keratoderma. Also called: PALMOPLANTAR KERATODERMA WITH LEFT VENTRICULAR CARDIOMYOPATHY AND WOOLLY HAIR; Arrhythmogenic cardiomyopathy with woolly hair and keratoderma; Carvajal syndrome; Dilated cardiomyopathy with woolly hair and keratoderma. Identifiers: Orphanet 65282, MedGen C1854063, MONDO:0011581, OMIM 605676.

Submission:

Labcorp Genetics (formerly Invitae), Labcorp
Classification: Pathogenic for Arrhythmogenic cardiomyopathy with wooly hair and keratoderma; Arrhythmogenic right ventricular dysplasia 8. Last evaluated: 2025-02-18. Review status: criteria provided, single submitter. Criteria: Invitae Variant Classification Sherloc (09022015). Collection method: clinical testing. Allele origin: germline.
Comment: This sequence change creates a premature translational stop signal (p.Gln647*) in the DSP gene. It is expected to result in an absent or disrupted protein product. Loss-of-function variants in DSP are known to be pathogenic (PMID: 20716751, 24503780, 25227139). This variant is not present in population databases (gnomAD no frequency). This variant has not been reported in the literature in individuals affected with DSP-related conditions. For these reasons, this variant has been classified as Pathogenic.

Literature cited by the submitters: PubMed 20716751; PubMed 24503780; PubMed 25227139.